The following is an entry in ClinVar:

ClinVar aggregate classification (germline): Conflicting classifications of pathogenicity. Review status: criteria provided, conflicting classifications (1 of 4 stars). 4 submissions from 4 submitters: Uncertain significance (1); Likely benign (2). 1 of the submissions does not count toward it. Last evaluated 2025-12-24.

Conditions:
Peroxisome biogenesis disorder. Identifiers: Orphanet 79189, MedGen C1832200, MONDO:0019234. Disease mechanism: loss of function.
PEX16-related disorder. Also called: PEX16-related condition.

Allele frequency attached by ClinVar (database versions not stated): gnomAD exomes 0.00005 and 0.00001; ExAC 0.00007; gnomAD 0.00024 and 0.00026; TOPMed 0.00025; 1000 Genomes Project 30x 0.00031; ESP Exome Variant Server 0.00038; 1000 Genomes Project 0.00040.
gnomAD v4.1: 56 of 1,613,968 alleles (0.0035%); highest among the groups gnomAD compares: African/African-American, 0.067%; no homozygotes.

Submissions (4):

Labcorp Genetics (formerly Invitae), Labcorp
Classification: Likely benign for Peroxisome biogenesis disorder. Last evaluated: 2025-12-24. Review status: criteria provided, single submitter. Criteria: Invitae Variant Classification Sherloc (09022015). Collection method: clinical testing. Allele origin: germline.

Blueprint Genetics
Classification: Likely benign. Last evaluated: 2024-07-24. Review status: criteria provided, single submitter. Criteria: ACMG Guidelines, 2015. Collection method: clinical testing. Allele origin: germline.

Eurofins Ntd Llc (ga)
Classification: Uncertain significance. Last evaluated: 2018-03-01. Review status: criteria provided, single submitter. Criteria: EGL ClinVar v180209 classification definitions. Collection method: clinical testing. Allele origin: germline. Observed: 4 variant alleles, 4 heterozygotes.

PreventionGenetics, part of Exact Sciences
Classification: Likely benign for PEX16-related condition. Last evaluated: 2023-01-23. Review status: no assertion criteria provided. Collection method: clinical testing. Allele origin: germline. Not counted in ClinVar's aggregate classification.
Comment: This variant is classified as likely benign based on ACMG/AMP sequence variant interpretation guidelines (Richards et al. 2015 PMID: 25741868, with internal and published modifications).

NM_004813.4(PEX16):c.887+9C>A

Gene: PEX16 (peroxisomal biogenesis factor 16; minus strand). Cytogenetic location: 11p11.2.
Variant type: single nucleotide variant.
Coding change: c.887+9C>A on transcript NM_004813.4 (MANE Select); 9 bases into the intron after coding-DNA position 887, C replaced by A.
Molecular consequence: intron variant.
Genome position (GRCh38, 1-based): chr11:45,913,810, G>T on the plus strand (C>A on the coding strand, the complement: PEX16 is on the minus strand). VCF-style: chr11-45913810-G-T. GRCh37 (hg19) VCF-style: chr11-45935361-G-T.
Other names: c.887+9C>A (NM_057174.3, NM_004813.2).
Identifiers: ClinVar variation 287706 (VCV000287706.17), dbSNP rs370590743, ClinGen allele CA5959786.